The following is an entry in ClinVar:

ClinVar aggregate classification (germline): Conflicting classifications of pathogenicity. Review status: criteria provided, conflicting classifications (1 of 4 stars). 2 submissions from 2 submitters: Uncertain significance (1); Likely benign (1). Last evaluated 2025-12-08.

Conditions:
Noonan syndrome 9 (NS9). Identifiers: Orphanet 648, MedGen C4225282, MONDO:0014691, OMIM 616559.
Cardiovascular phenotype. Identifiers: MedGen CN230736.

Allele frequency attached by ClinVar (database versions not stated): gnomAD 0.00001.
gnomAD v4.1: 9 of 1,601,756 alleles (0.00056%); highest among the groups gnomAD compares: African/African-American, 0.0027%; no homozygotes.

Submissions (2):

Labcorp Genetics (formerly Invitae), Labcorp
Classification: Likely benign for Noonan syndrome 9. Last evaluated: 2025-12-08. Review status: criteria provided, single submitter. Criteria: Invitae Variant Classification Sherloc (09022015). Collection method: clinical testing. Allele origin: germline.

Ambry Genetics
Classification: Uncertain significance for Cardiovascular phenotype. Last evaluated: 2022-12-01. Review status: criteria provided, single submitter. Criteria: Ambry Variant Classification Scheme 2023. Collection method: clinical testing. Allele origin: germline.
Comment: The p.I837T variant (also known as c.2510T>C), located in coding exon 16 of the SOS2 gene, results from a T to C substitution at nucleotide position 2510. The isoleucine at codon 837 is replaced by threonine, an amino acid with similar properties. This amino acid position is conserved. In addition, this alteration is predicted to be deleterious by in silico analysis. Since supporting evidence is limited at this time, the clinical significance of this alteration remains unclear.

NM_006939.4(SOS2):c.2510T>C (p.Ile837Thr)

Gene: SOS2 (SOS Ras/Rho guanine nucleotide exchange factor 2; minus strand). Cytogenetic location: 14q21.3.
Variant type: single nucleotide variant.
Coding change: c.2510T>C on transcript NM_006939.4 (MANE Select); coding-DNA position 2510, T replaced by C.
Protein change: p.Ile837Thr; replaces isoleucine 837 with threonine.
Molecular consequence: missense variant.
Genome position (GRCh38, 1-based): chr14:50,145,327, A>G on the plus strand (T>C on the coding strand, the complement: SOS2 is on the minus strand). VCF-style: chr14-50145327-A-G. GRCh37 (hg19) VCF-style: chr14-50612045-A-G.
Other names: c.2411T>C, p.Ile804Thr (NM_001411020.1); short protein forms I837T, I804T.
Identifiers: ClinVar variation 2142644 (VCV002142644.5), dbSNP rs1202694189, ClinGen allele CA389643227.